The following is an entry in ClinVar:

ClinVar aggregate classification (germline): Uncertain significance (1 of 4 stars; one submission).

Conditions:
Cutis laxa, autosomal recessive, type 1B (ARCL1B). Also called: CUTIS LAXA, AUTOSOMAL RECESSIVE, TYPE IB; EFEMP2-Related Cutis Laxa. Identifiers: Orphanet 90349, MedGen C3280798, MONDO:0013754, OMIM 614437. Disease mechanism: loss of function.

gnomAD v4.1: 1 of 1,614,170 alleles (0.000062%); highest among the groups gnomAD compares: East Asian, 0.0022%; no homozygotes.

Submission:

Labcorp Genetics (formerly Invitae), Labcorp
Classification: Uncertain significance for Cutis laxa, autosomal recessive, type 1B. Last evaluated: 2018-04-25. Review status: criteria provided, single submitter. Criteria: Invitae Variant Classification Sherloc (09022015). Collection method: clinical testing. Allele origin: germline.
Comment: In summary, the available evidence is currently insufficient to determine the role of this variant in disease. Therefore, it has been classified as a Variant of Uncertain Significance. Algorithms developed to predict the effect of sequence changes on RNA splicing suggest that this variant may create or strengthen a splice site, but this prediction has not been confirmed by published transcriptional studies. Algorithms developed to predict the effect of missense changes on protein structure and function do not agree on the potential impact of this missense change (SIFT: "Deleterious"; PolyPhen-2: "Benign"; Align-GVGD: "Class C55"). This variant has not been reported in the literature in individuals with EFEMP2-related disease. This variant is not present in population databases (ExAC no frequency). This sequence change replaces alanine with valine at codon 428 of the EFEMP2 protein (p.Ala428Val). The alanine residue is highly conserved and there is a small physicochemical difference between alanine and valine.

NM_016938.5(EFEMP2):c.1283C>T (p.Ala428Val)

Genes: MUS81 (MUS81 structure-specific endonuclease subunit; plus strand), EFEMP2 (EGF-like fibulin extracellular matrix protein 2; minus strand). Cytogenetic location: 11q13.1.
Variant type: single nucleotide variant.
Coding change: c.1283C>T on transcript NM_016938.5 (MANE Select); coding-DNA position 1283, C replaced by T.
Protein change: p.Ala428Val; replaces alanine 428 with valine.
Molecular consequence: missense variant. On other transcripts: non-coding transcript variant (1).
Genome position (GRCh38, 1-based): chr11:65,866,967, G>A on the plus strand (C>T on the coding strand, the complement: EFEMP2 is on the minus strand). VCF-style: chr11-65866967-G-A. GRCh37 (hg19) VCF-style: chr11-65634438-G-A.
Other names: short protein forms A428V.
Identifiers: ClinVar variation 581860 (VCV000581860.8), dbSNP rs1565272014, ClinGen allele CA381348395.